The following is an entry in ClinVar:

ClinVar aggregate classification (germline): Likely benign. Review status: criteria provided, multiple submitters, no conflicts (2 of 4 stars). 2 submissions from 2 submitters: Likely benign (2). Last evaluated 2023-10-01.

Conditions:
SLC35A1-congenital disorder of glycosylation. Also called: CONGENITAL DISORDER OF GLYCOSYLATION, TYPE IIf; CDG IIf; SLC35A1-CDG. Identifiers: Orphanet 238459, MedGen C1970344, MONDO:0011342, OMIM 603585.

Allele frequency attached by ClinVar (database versions not stated): ExAC 0.00002; gnomAD 0.00002 and 0.00003; gnomAD exomes 0.00002 and 0.00003; TOPMed 0.00002.

Submissions (2):

CeGaT Center for Human Genetics Tuebingen
Classification: Likely benign. Last evaluated: 2023-10-01. Review status: criteria provided, single submitter. Criteria: CeGaT Center For Human Genetics Tuebingen Variant Classification Criteria Version 2. Collection method: clinical testing. Allele origin: germline. Affected: yes. Observed: 1 variant allele.
Comment: SLC35A1: BP4, BP7

Labcorp Genetics (formerly Invitae), Labcorp
Classification: Likely benign for SLC35A1-congenital disorder of glycosylation. Last evaluated: 2021-02-18. Review status: criteria provided, single submitter. Criteria: Invitae Variant Classification Sherloc (09022015). Collection method: clinical testing. Allele origin: germline.

NM_006416.5(SLC35A1):c.378G>A (p.Pro126=)

Gene: SLC35A1 (solute carrier family 35 member A1; plus strand). Cytogenetic location: 6q15.
Variant type: single nucleotide variant.
Coding change: c.378G>A on transcript NM_006416.5 (MANE Select); coding-DNA position 378, G replaced by A.
Protein change: p.Pro126=; no amino-acid change (proline 126 retained).
Molecular consequence: synonymous variant.
Genome position (GRCh38, 1-based): chr6:87,501,181, G>A. VCF-style: chr6-87501181-G-A. GRCh37 (hg19) VCF-style: chr6-88210899-G-A.
Other names: c.378G>A, p.Pro126= (NM_001168398.2).
Identifiers: ClinVar variation 1106981 (VCV001106981.33), dbSNP rs754174147, ClinGen allele CA3915954.